The following is an entry in ClinVar:

ClinVar aggregate classification (germline): Pathogenic (0 of 4 stars; one submission).

Conditions:
Anophthalmia/microphthalmia-esophageal atresia syndrome (MCOPS3). Also called: MICROPHTHALMIA AND ESOPHAGEAL ATRESIA SYNDROME; AEG SYNDROME; SOX2 Disorder. Identifiers: Orphanet 77298, MedGen C1859773, MONDO:0008799, OMIM 206900.

Submission:

Anophthalmia/Microphthalmia Research Registry, Einstein Medical Center Philadelphia
Classification: Pathogenic for Anophthalmia/microphthalmia-esophageal atresia syndrome. Review status: no assertion criteria provided. Collection method: research. Allele origin: germline. Inheritance: Autosomal dominant inheritance. Affected: yes. Observed: 1 variant allele.

NM_003106.4(SOX2):c.486_487dup (p.Met163fs)

Genes: SOX2-OT (SOX2 overlapping transcript; plus strand), SOX2 (SRY-box transcription factor 2; plus strand), LOC108281177 (SOX2 5' regulatory region; plus strand). Cytogenetic location: 3q26.33.
Variant type: Microsatellite.
Coding change: c.486_487dup on transcript NM_003106.4 (MANE Select); coding-DNA positions 486 to 487, 2 bases duplicated (CA; older notation c.486_487dupCA).
Protein change: p.Met163fs; shifts the reading frame from methionine 163.
Molecular consequence: frameshift variant.
Genome position (GRCh38, 1-based): chr3:181,712,846-181,712,847, CA duplicated; duplicating any 2 consecutive bases within chr3:181,712,844-181,712,847 gives the same sequence; the c. name uses the placement nearest the transcript's 3' end. VCF-style (leftmost placement, unchanged base first): chr3-181712843-G-GCA. GRCh37 (hg19) VCF-style: chr3-181430631-G-GCA.
Other names: short protein forms M163fs.
Identifiers: ClinVar variation 986768 (VCV000986768.1), dbSNP rs1714858949, ClinGen allele CA1424779602.